The following is an entry in ClinVar:

NM_152743.4(BRAT1):c.1517A>T (p.Gln506Leu)

Gene: BRAT1 (BRCA1 associated ATM activator 1; minus strand). Cytogenetic location: 7p22.3.
Variant type: single nucleotide variant.
Coding change: c.1517A>T on transcript NM_152743.4 (MANE Select); coding-DNA position 1517, A replaced by T.
Protein change: p.Gln506Leu; replaces glutamine 506 with leucine.
Molecular consequence: missense variant. On other transcripts: non-coding transcript variant (1).
Genome position (GRCh38, 1-based): chr7:2,539,624, T>A on the plus strand (A>T on the coding strand, the complement: BRAT1 is on the minus strand). VCF-style: chr7-2539624-T-A. GRCh37 (hg19) VCF-style: chr7-2579258-T-A.
Other names: c.1517A>T, p.Gln506Leu (NM_001350626.2); c.992A>T, p.Gln331Leu (NM_001350627.2); c.1517A>T (NM_152743.3); short protein forms Q331L, Q506L.
Identifiers: ClinVar variation 1019117 (VCV001019117.7), dbSNP rs766270301, ClinGen allele CA4127702.

ClinVar aggregate classification (germline): Uncertain significance. Review status: criteria provided, multiple submitters, no conflicts (2 of 4 stars). 2 submissions from 2 submitters: Uncertain significance (2). Last evaluated 2025-01-27.

Conditions:
Inborn genetic diseases. Identifiers: MedGen C0950123, MeSH D030342.
Neonatal-onset encephalopathy with rigidity and seizures. Also called: Lethal neonatal spasticity-epileptic encephalopathy syndrome. Identifiers: Orphanet 435845, MedGen C3281029, MONDO:0013784, OMIM 614498.

Allele frequency attached by ClinVar (database versions not stated): gnomAD exomes below 0.00001 and 0.00001; gnomAD 0.00002; TOPMed 0.00004; ExAC 0.00005.
gnomAD v4.1: 4 of 1,594,916 alleles (0.00025%); highest among the groups gnomAD compares: African/African-American, 0.0054%; no homozygotes.

Submissions (2):

Ambry Genetics
Classification: Uncertain significance for Inborn genetic diseases. Last evaluated: 2025-01-27. Review status: criteria provided, single submitter. Criteria: Ambry Variant Classification Scheme 2023. Collection method: clinical testing. Allele origin: germline.

Labcorp Genetics (formerly Invitae), Labcorp
Classification: Uncertain significance for Neonatal-onset encephalopathy with rigidity and seizures. Last evaluated: 2022-07-12. Review status: criteria provided, single submitter. Criteria: Invitae Variant Classification Sherloc (09022015). Collection method: clinical testing. Allele origin: germline.
Comment: This sequence change replaces glutamine, which is neutral and polar, with leucine, which is neutral and non-polar, at codon 506 of the BRAT1 protein (p.Gln506Leu). The frequency data for this variant in the population databases is considered unreliable, as metrics indicate poor data quality at this position in the gnomAD database. This variant has not been reported in the literature in individuals affected with BRAT1-related conditions. ClinVar contains an entry for this variant (Variation ID: 1019117). Algorithms developed to predict the effect of missense changes on protein structure and function are either unavailable or do not agree on the potential impact of this missense change (SIFT: "Tolerated"; PolyPhen-2: "Possibly Damaging"; Align-GVGD: "Class C0"). In summary, the available evidence is currently insufficient to determine the role of this variant in disease. Therefore, it has been classified as a Variant of Uncertain Significance.